The following is an entry in ClinVar:

ClinVar aggregate classification (germline): Uncertain significance (1 of 4 stars; one submission).

Conditions:
Hereditary sensory and autonomic neuropathy type 6. Also called: Neuropathy, hereditary sensory and autonomic, type VI; HSAN VI. Identifiers: Orphanet 314381, MedGen C3539003, MONDO:0013839, OMIM 614653.
Epidermolysis bullosa simplex 3, localized or generalized intermediate, with BP230 deficiency (EBS3). Also called: Epidermolysis bullosa simplex, autosomal recessive 2; Epidermolysis bullosa simplex due to BP230 deficiency. Identifiers: Orphanet 412181, MedGen C3809470, MONDO:0014180, OMIM 615425.

Allele frequency attached by ClinVar (database versions not stated): TOPMed below 0.00001.

Submission:

Labcorp Genetics (formerly Invitae), Labcorp
Classification: Uncertain significance for Epidermolysis bullosa simplex 3, localized or generalized intermediate, with BP230 deficiency; Hereditary sensory and autonomic neuropathy type 6. Last evaluated: 2022-07-29. Review status: criteria provided, single submitter. Criteria: Invitae Variant Classification Sherloc (09022015). Collection method: clinical testing. Allele origin: germline.
Comment: In summary, the available evidence is currently insufficient to determine the role of this variant in disease. Therefore, it has been classified as a Variant of Uncertain Significance. This variant has not been reported in the literature in individuals affected with DST-related conditions. This variant is not present in population databases (gnomAD no frequency). This sequence change replaces isoleucine, which is neutral and non-polar, with threonine, which is neutral and polar, at codon 1260 of the DST protein (p.Ile1260Thr). The DST gene has multiple clinically relevant transcripts. This variant occurs in alternate transcript NM_015548.4, and corresponds to NM_001723.5:c.*15402T>C in the primary transcript.

NM_001374736.1(DST):c.11648T>C (p.Ile3883Thr)

Gene: DST (dystonin; minus strand). Cytogenetic location: 6p12.1.
Variant type: single nucleotide variant.
Coding change: c.11648T>C on transcript NM_001374736.1 (MANE Select); coding-DNA position 11648, T replaced by C.
Protein change: p.Ile3883Thr; replaces isoleucine 3883 with threonine.
Molecular consequence: missense variant.
Genome position (GRCh38, 1-based): chr6:56,600,115, A>G on the plus strand (T>C on the coding strand, the complement: DST is on the minus strand). VCF-style: chr6-56600115-A-G. GRCh37 (hg19) VCF-style: chr6-56464913-A-G.
Other names: c.5291T>C, p.Ile1764Thr (NM_001144769.5); c.4877T>C, p.Ile1626Thr (NM_001144770.2); c.11648T>C, p.Ile3883Thr (NM_001374722.1); c.11015T>C, p.Ile3672Thr (NM_001374729.1); c.4757T>C, p.Ile1586Thr (NM_001374730.1, NM_183380.4); c.11675T>C, p.Ile3892Thr (NM_001374734.1); c.3779T>C, p.Ile1260Thr (NM_015548.5); short protein forms I1260T, I3672T, I3883T, I1764T, I1586T, I3892T, I1626T.
Identifiers: ClinVar variation 968331 (VCV000968331.9), dbSNP rs536027788, ClinGen allele CA139194760.